The following is an entry in ClinVar:

NM_024675.4(PALB2):c.208T>A (p.Ser70Thr)

Gene: PALB2 (partner and localizer of BRCA2; minus strand). Cytogenetic location: 16p12.2.
Variant type: single nucleotide variant.
Coding change: c.208T>A on transcript NM_024675.4 (MANE Select); coding-DNA position 208, T replaced by A.
Protein change: p.Ser70Thr; replaces serine 70 with threonine.
Molecular consequence: missense variant. On other transcripts: 5 prime UTR variant (8), intron variant (3).
Genome position (GRCh38, 1-based): chr16:23,637,853, A>T on the plus strand (T>A on the coding strand, the complement: PALB2 is on the minus strand). VCF-style: chr16-23637853-A-T. GRCh37 (hg19) VCF-style: chr16-23649174-A-T.
Other names: c.148T>A, p.Ser50Thr (NM_001407296.1); c.208T>A, p.Ser70Thr (NM_001407297.1, NM_001407298.1, NM_001407299.1 and 3 more transcripts); c.-678T>A (NM_001407304.1, NM_001407305.1, NM_001407306.1 and 5 more transcripts); c.48+3257T>A (NM_001407314.1); c.-105+3257T>A (NM_001407313.1, NM_001407312.1); short protein forms S50T, S70T.
Identifiers: ClinVar variation 4130328 (VCV004130328.1).
Genomic context (GRCh38, chr16:23,637,853, plus strand): 5'-AAAATATACCTGGGAAATGAATAATAAAGCAGGCATAAGTGAATGGTCTAGATTTACCTG[A>T]GTGTTTTAGCTGCGGTGAGAGATCCTGCTGAGACAAACAATCTTGTTCTTCTACTGTTTT-3'
Protein context (NP_078951.2, residues 60-80): QQDLSPQLKH[Ser70Thr]EPKNKICVYD

ClinVar aggregate classification (germline): Uncertain significance (1 of 4 stars; one submission).

Conditions:
Hereditary cancer-predisposing syndrome. Also called: Hereditary neoplastic syndrome; Neoplastic Syndromes, Hereditary; Tumor predisposition; Hereditary Cancer Syndrome. Identifiers: Orphanet 140162, MedGen C0027672, MeSH D009386, MONDO:0015356.

Submission:

Ambry Genetics
Classification: Uncertain significance for Hereditary cancer-predisposing syndrome. Last evaluated: 2025-07-14. Review status: criteria provided, single submitter. Criteria: Ambry Variant Classification Scheme 2023. Collection method: clinical testing. Allele origin: germline.
Comment: The p.S70T variant (also known as c.208T>A), located in coding exon 3 of the PALB2 gene, results from a T to A substitution at nucleotide position 208. The serine at codon 70 is replaced by threonine, an amino acid with similar properties. This amino acid position is conserved. In addition, this alteration is predicted to be tolerated by in silico analysis. Based on the available evidence, the clinical significance of this variant remains unclear.